The following is an entry in ClinVar:

ClinVar aggregate classification (germline): Uncertain significance (1 of 4 stars; one submission).

Conditions:
Leber congenital amaurosis 1 (LCA1). Also called: AMAUROSIS CONGENITA OF LEBER I; RETINAL BLINDNESS, CONGENITAL; Congenital absence of the rods and cones; Leber's congenital tapetoretinal degeneration; Leber's congenital tapetoretinal dysplasia. Identifiers: Orphanet 65, MedGen C2931258, MONDO:0008764, OMIM 204000.
Cone-rod dystrophy 6 (CORD6). Also called: RETINAL CONE DYSTROPHY 2; Cone dystrophy progressive. Identifiers: Orphanet 1872, MedGen C1866293, MONDO:0011143, OMIM 601777.

Submission:

Labcorp Genetics (formerly Invitae), Labcorp
Classification: Uncertain significance for Leber congenital amaurosis 1; Cone-rod dystrophy 6. Last evaluated: 2025-02-06. Review status: criteria provided, single submitter. Criteria: Invitae Variant Classification Sherloc (09022015). Collection method: clinical testing. Allele origin: germline.
Comment: This sequence change replaces phenylalanine, which is neutral and non-polar, with leucine, which is neutral and non-polar, at codon 436 of the GUCY2D protein (p.Phe436Leu). This variant is not present in population databases (gnomAD no frequency). This variant has not been reported in the literature in individuals affected with GUCY2D-related conditions. Invitae Evidence Modeling of protein sequence and biophysical properties (such as structural, functional, and spatial information, amino acid conservation, physicochemical variation, residue mobility, and thermodynamic stability) has been performed for this missense variant. However, the output from this modeling did not meet the statistical confidence thresholds required to predict the impact of this variant on GUCY2D protein function. In summary, the available evidence is currently insufficient to determine the role of this variant in disease. Therefore, it has been classified as a Variant of Uncertain Significance.

NM_000180.4(GUCY2D):c.1308C>A (p.Phe436Leu)

Gene: GUCY2D (guanylate cyclase 2D, retinal; plus strand). Cytogenetic location: 17p13.1.
Variant type: single nucleotide variant.
Coding change: c.1308C>A on transcript NM_000180.4 (MANE Select); coding-DNA position 1308, C replaced by A.
Protein change: p.Phe436Leu; replaces phenylalanine 436 with leucine.
Molecular consequence: missense variant.
Genome position (GRCh38, 1-based): chr17:8,006,644, C>A. VCF-style: chr17-8006644-C-A. GRCh37 (hg19) VCF-style: chr17-7909962-C-A.
Other names: short protein forms F436L.
Identifiers: ClinVar variation 4782631 (VCV004782631.1).